The following is an entry in ClinVar:

NM_000059.4(BRCA2):c.5206C>T (p.Gln1736Ter)

Gene: BRCA2 (BRCA2 DNA repair associated; plus strand). Cytogenetic location: 13q13.1.
Variant type: single nucleotide variant.
Coding change: c.5206C>T on transcript NM_000059.4 (MANE Select); coding-DNA position 5206, C replaced by T.
Protein change: p.Gln1736Ter; replaces glutamine 1736 with a stop codon.
Molecular consequence: nonsense.
Genome position (GRCh38, 1-based): chr13:32,339,561, C>T. VCF-style: chr13-32339561-C-T. GRCh37 (hg19) VCF-style: chr13-32913698-C-T.
Other names: short protein forms Q1736*.
Identifiers: ClinVar variation 224444 (VCV000224444.13), dbSNP rs886037802, ClinGen allele CA10575921.

ClinVar aggregate classification (germline): Pathogenic. Review status: reviewed by expert panel (3 of 4 stars). 8 submissions from 8 submitters: Pathogenic (1). 7 of the submissions do not count toward it. Last evaluated 2017-12-15.

Conditions:
Breast neoplasm. Also called: Breast tumor; Neoplasm of the breast; Neoplasm of breast; Breast Neoplasms. Identifiers: MedGen C1458155, MeSH D001943, MONDO:0021100, HP:0100013. Disease mechanism: gain of function.
Hereditary breast ovarian cancer syndrome. Also called: Hereditary breast and/or ovarian cancer syndrome; Hereditary breast and ovarian cancer; Breast and ovarian cancer; Hereditary breast and ovarian cancer syndrome; Hereditary breast and ovarian cancer syndrome (HBOC); BRCA1- and BRCA2-Associated Hereditary Breast and Ovarian Cancer. Identifiers: Orphanet 145, MedGen C0677776, MeSH D061325, MONDO:0003582. Disease mechanism: loss of function.
Breast-ovarian cancer, familial, susceptibility to, 2 (BROVCA2). Also called: BRCA2 Hereditary Breast and Ovarian Cancer. Identifiers: Orphanet 145, MedGen C2675520, MONDO:0012933, OMIM 612555. Disease mechanism: loss of function.
Malignant tumor of urinary bladder. Also called: Bladder cancer; Urinary bladder cancer; Urinary Bladder Neoplasms. Identifiers: MedGen C0005684, MONDO:0001187, OMIM 109800.

Submissions (8):

Evidence-based Network for the Interpretation of Germline Mutant Alleles (ENIGMA)
Classification: Pathogenic for Breast-ovarian cancer, familial, susceptibility to, 2. Last evaluated: 2017-12-15. Review status: reviewed by expert panel. Criteria: ENIGMA BRCA1/2 Classification Criteria (2017-06-29). Collection method: curation. Allele origin: germline. Study: ENIGMA.
Comment: Variant allele predicted to encode a truncated non-functional protein.

Women's Health and Genetics/Laboratory Corporation of America, LabCorp
Classification: Pathogenic for Hereditary breast ovarian cancer syndrome. Last evaluated: 2026-01-19. Review status: criteria provided, single submitter. Criteria: LabCorp Variant Classification Summary - May 2015. Collection method: clinical testing. Allele origin: germline. Not counted in ClinVar's aggregate classification.
Comment: Variant summary: BRCA2 c.5206C>T (p.Gln1736X) results in a premature termination codon, predicted to cause absence of the protein due to nonsense mediated decay, which is a commonly known mechanism for disease. The variant was absent in 248142 control chromosomes (gnomAD). c.5206C>T has been observed in individuals affected with Hereditary Breast And Ovarian Cancer Syndrome (e.g. Zhong_2016). The following publication has been ascertained in the context of this evaluation (PMID: 27257965). ClinVar contains an entry for this variant (Variation ID: 224444). Based on the evidence outlined above, the variant was classified as pathogenic.

GeneKor MSA
Classification: Pathogenic for Hereditary breast ovarian cancer syndrome. Last evaluated: 2025-05-15. Review status: criteria provided, single submitter. Criteria: ACMG Guidelines, 2015. Collection method: clinical testing. Allele origin: germline. Affected: no. Not counted in ClinVar's aggregate classification.
Comment: This variant, located in coding exon 11 of the BRCA2 gene, is a single base substitution at nucleotide position 5206, c.(5206C>T), replacing Glutamine with a termination stop signal at codon 1736, p.(Gln1736*). This is expected to result in an absent or disrupted protein product. Truncating variants in BRCA2 are known to be pathogenic (PMID:20104584). This variant is not present in population databases (rs886037802). In international literature it has been reported in individuals affected with breast cancer (PMID:27257965). ClinVar contains entries for this variant where is listed as pathogenic (VCV000224444.8). Based on the classification criteria set by the ACMG and AMP (PMID:25741868) this variant has been classified as pathogenic.

Dasa
Classification: Pathogenic. Last evaluated: 2024-12-30. Review status: criteria provided, single submitter. Criteria: DASA Assertion Criteria. Collection method: clinical testing. Allele origin: germline. Not counted in ClinVar's aggregate classification.
Comment: NM_000059.4(BRCA2):c.5206C>T (p.Gln1736*) introduces a premature termination codon predicted to result in loss of normal protein function. Loss-of-function is an established mechanism of disease for this gene. The affected residue or protein region has prior evidence supporting clinical relevance. The variant is present at low frequency in population datasets. Based on the available data, this variant is classified as pathogenic.

Labcorp Genetics (formerly Invitae), Labcorp
Classification: Pathogenic for Hereditary breast ovarian cancer syndrome. Last evaluated: 2017-06-04. Review status: criteria provided, single submitter. Criteria: Invitae Variant Classification Sherloc (09022015). Collection method: clinical testing. Allele origin: germline. Not counted in ClinVar's aggregate classification.
Comment: This variant is not present in population databases (ExAC no frequency). For these reasons, this variant has been classified as Pathogenic. Loss-of-function variants in BRCA2 are known to be pathogenic (PMID: 20104584). This variant has been reported in an individual affected with breast cancer (PMID: 27257965). ClinVar contains an entry for this variant (Variation ID: 224444). This sequence change creates a premature translational stop signal (p.Gln1736*) in the BRCA2 gene. It is expected to result in an absent or disrupted protein product.

Laboratory of Molecular Diagnosis of Cancer, West China Hospital, Sichuan University
Classification: Pathogenic for Breast neoplasm. Last evaluated: 2015-11-01. Review status: criteria provided, single submitter. Criteria: ACMG Guidelines, 2015. Collection method: research. Allele origin: germline. Affected: yes. Observed: 1 variant allele. Not counted in ClinVar's aggregate classification.

Genesis Genomics
Classification: Pathogenic for Breast-ovarian cancer, familial, susceptibility to, 2. Review status: criteria provided, single submitter. Criteria: ACMG Guidelines, 2015. Collection method: clinical testing. Allele origin: germline. Affected: yes. Observed: 1 variant allele. Not counted in ClinVar's aggregate classification.

Laboratory of Urology, Hospital Clinic de Barcelona
Classification: Pathogenic for Malignant tumor of urinary bladder. Review status: no assertion criteria provided. Collection method: research. Allele origin: somatic. Affected: yes. Not counted in ClinVar's aggregate classification.

Literature cited by the submitters: PubMed 27257965 (cited by 4 submitters); PubMed 20104584 (cited by GeneKor MSA and Labcorp Genetics (formerly Invitae), Labcorp).